The following is an entry in ClinVar:

NM_019026.6(TMCO1):c.87_90del (p.Val30fs)

Gene: TMCO1 (transmembrane and coiled-coil domains 1; minus strand). Cytogenetic location: 1q24.1.
Variant type: Deletion.
Coding change: c.87_90del on transcript NM_019026.6 (MANE Select); coding-DNA positions 87 to 90, 4 bases deleted (GGTT; older notation c.87_90delGGTT).
Protein change: p.Val30fs; shifts the reading frame from valine 30.
Molecular consequence: frameshift variant. On other transcripts: non-coding transcript variant (1), intron variant (1).
Genome position (GRCh38, 1-based): chr1:165,768,250-165,768,253, AACC deleted on the plus strand (GGTT on the coding strand, the reverse complement: TMCO1 is on the minus strand); deleting any 4 consecutive bases within chr1:165,768,250-165,768,254 gives the same sequence; the c. name uses the placement nearest the transcript's 3' end. VCF-style (leftmost placement, unchanged base first): chr1-165768249-AAACC-A. GRCh37 (hg19) VCF-style: chr1-165737486-AAACC-A.
Other names: c.240_243delGGTT (NM_019026.4); c.51_54del, p.Val18fs (NM_001256165.1); c.147-9_147-6del (NM_001256164.1); short protein forms V18fs.
Identifiers: ClinVar variation 189248 (VCV000189248.4), dbSNP rs786204789, ClinGen allele CA199172.

ClinVar aggregate classification (germline): Pathogenic (1 of 4 stars; one submission).

Conditions:
Craniofacial dysmorphism, skeletal anomalies, and impaired intellectual development 1 (CFSMR1). Also called: Cerebrofaciothoracic dysplasia. Identifiers: Orphanet 1394, MedGen C5677021, MONDO:0800436, OMIM 213980.

Submission:

Laboratory for Molecular Medicine, Mass General Brigham Personalized Medicine
Classification: Pathogenic for Cerebrofaciothoracic dysplasia. Last evaluated: 2014-07-15. Review status: criteria provided, single submitter. Criteria: LMM Criteria. Collection method: clinical testing. Allele origin: germline. Inheritance: Autosomal recessive inheritance. Observed: 1 variant allele. Study: CSER-MedSeq.
Comment: The Val81ThrfsX9 variant in TMCO1 has not been previously reported in individuals with disease or in large population studies. This frameshift variant is predicted to alter the protein’s amino acid sequence beginning at position 81 and lead to a premature termination codon 9 amino acids downstream. This alteration is then predicted to lead to a truncated or absent protein. Complete TCMO1 loss-of-function is an established disease mechanism in autosomal recessive cerebrofaciothoracic dysplasia (Xin 2010, Caglayan 2013, Alanay 2014, Pehlivan 2014). In summary, this variant meets our criteria to be classified as pathogenic based upon the predicted impact to the protein.

Literature cited by the submitters: PubMed 24424126; PubMed 24194475; PubMed 23320496; PubMed 20018682.